The following is an entry in ClinVar:

ClinVar aggregate classification (germline): Uncertain significance (1 of 4 stars; one submission).

Submission:

Labcorp Genetics (formerly Invitae), Labcorp
Classification: Uncertain significance. Last evaluated: 2022-06-20. Review status: criteria provided, single submitter. Criteria: Invitae Variant Classification Sherloc (09022015). Collection method: clinical testing. Allele origin: germline.
Comment: In summary, the available evidence is currently insufficient to determine the role of this variant in disease. Therefore, it has been classified as a Variant of Uncertain Significance. Algorithms developed to predict the effect of missense changes on protein structure and function are either unavailable or do not agree on the potential impact of this missense change (SIFT: "Deleterious"; PolyPhen-2: "Probably Damaging"; Align-GVGD: "Class C0"). This variant has not been reported in the literature in individuals affected with MACF1-related conditions. This variant is not present in population databases (gnomAD no frequency). This sequence change replaces aspartic acid, which is acidic and polar, with glycine, which is neutral and non-polar, at codon 2374 of the MACF1 protein (p.Asp2374Gly).

NM_001394062.1(MACF1):c.13307A>G (p.Asp4436Gly)

Gene: MACF1 (microtubule actin crosslinking factor 1; plus strand). Cytogenetic location: 1p34.3.
Variant type: single nucleotide variant.
Coding change: c.13307A>G on transcript NM_001394062.1 (MANE Select); coding-DNA position 13307, A replaced by G.
Protein change: p.Asp4436Gly; replaces aspartic acid 4436 with glycine.
Molecular consequence: missense variant.
Genome position (GRCh38, 1-based): chr1:39,379,233, A>G. VCF-style: chr1-39379233-A-G. GRCh37 (hg19) VCF-style: chr1-39844905-A-G.
Other names: c.7121A>G, p.Asp2374Gly (NM_012090.5); short protein forms D2374G, D4436G.
Identifiers: ClinVar variation 2003141 (VCV002003141.4), dbSNP rs959661480, ClinGen allele CA339830299.